The following is an entry in ClinVar:

ClinVar aggregate classification (germline): Benign. Review status: criteria provided, single submitter (1 of 4 stars). 2 submissions from 2 submitters: Benign (1). 1 of the submissions does not count toward it. Last evaluated 2018-06-08.

Conditions:
EP400-related disorder. Also called: EP400-related condition.

Allele frequency attached by ClinVar (database versions not stated): gnomAD exomes 0.00017 and 0.00048; ExAC 0.00063; gnomAD 0.00184 and 0.00193; ESP Exome Variant Server 0.00208; TOPMed 0.00224; 1000 Genomes Project 30x 0.00250; 1000 Genomes Project 0.00260.

Submissions (2):

Labcorp Genetics (formerly Invitae), Labcorp
Classification: Benign. Last evaluated: 2018-06-08. Review status: criteria provided, single submitter. Criteria: Invitae Variant Classification Sherloc (09022015). Collection method: clinical testing. Allele origin: germline.

PreventionGenetics, part of Exact Sciences
Classification: Likely benign for EP400-related condition. Last evaluated: 2019-04-04. Review status: no assertion criteria provided. Collection method: clinical testing. Allele origin: germline. Not counted in ClinVar's aggregate classification.
Comment: This variant is classified as likely benign based on ACMG/AMP sequence variant interpretation guidelines (Richards et al. 2015 PMID: 25741868, with internal and published modifications).

NM_015409.5(EP400):c.5208A>G (p.Leu1736=)

Genes: EP400 (E1A binding protein p400; plus strand), LOC124849291 (Sharpr-MPRA regulatory region 9648; plus strand). Cytogenetic location: 12q24.33.
Variant type: single nucleotide variant.
Coding change: c.5208A>G on transcript NM_015409.5 (MANE Select); coding-DNA position 5208, A replaced by G.
Protein change: p.Leu1736=; no amino-acid change (leucine 1736 retained).
Molecular consequence: synonymous variant.
Genome position (GRCh38, 1-based): chr12:132,028,115, A>G. VCF-style: chr12-132028115-A-G. GRCh37 (hg19) VCF-style: chr12-132512660-A-G.
Identifiers: ClinVar variation 779617 (VCV000779617.5), dbSNP rs142623932, ClinGen allele CA6885958.